The following is an entry in ClinVar:

ClinVar aggregate classification (germline): Uncertain significance (1 of 4 stars; one submission).

Conditions:
Pityriasis rubra pilaris (PRP). Also called: Pityriasis rubra pilaris--familial type. Identifiers: Orphanet 2897, MedGen C0032027, MONDO:0100017, OMIM 173200, MONDO:0008251.
Psoriasis 2. Identifiers: MedGen C1864497, MONDO:0011269, OMIM 602723.

Submission:

Labcorp Genetics (formerly Invitae), Labcorp
Classification: Uncertain significance for Pityriasis rubra pilaris; Psoriasis 2. Last evaluated: 2022-06-20. Review status: criteria provided, single submitter. Criteria: Invitae Variant Classification Sherloc (09022015). Collection method: clinical testing. Allele origin: germline.
Comment: In summary, the available evidence is currently insufficient to determine the role of this variant in disease. Therefore, it has been classified as a Variant of Uncertain Significance. Algorithms developed to predict the effect of missense changes on protein structure and function (SIFT, PolyPhen-2, Align-GVGD) all suggest that this variant is likely to be tolerated. This variant has not been reported in the literature in individuals affected with CARD14-related conditions. This variant is not present in population databases (gnomAD no frequency). This sequence change replaces proline, which is neutral and non-polar, with leucine, which is neutral and non-polar, at codon 795 of the CARD14 protein (p.Pro795Leu).

NM_001366385.1(CARD14):c.2384C>T (p.Pro795Leu)

Genes: SGSH (N-sulfoglucosamine sulfohydrolase; minus strand), CARD14 (caspase recruitment domain family member 14; plus strand). Cytogenetic location: 17q25.3.
Variant type: single nucleotide variant.
Coding change: c.2384C>T on transcript NM_001366385.1 (MANE Select); coding-DNA position 2384, C replaced by T.
Protein change: p.Pro795Leu; replaces proline 795 with leucine.
Molecular consequence: missense variant. On other transcripts: non-coding transcript variant (1).
Genome position (GRCh38, 1-based): chr17:80,204,327, C>T. VCF-style: chr17-80204327-C-T. GRCh37 (hg19) VCF-style: chr17-78178126-C-T.
Other names: c.2384C>T, p.Pro795Leu (NM_024110.4); short protein forms P795L.
Identifiers: ClinVar variation 1410760 (VCV001410760.8), dbSNP rs2144526744, ClinGen allele CA401355651.
Genomic context (GRCh38, chr17:80,204,327, plus strand): 5'-GTATGGACAAAGCCAAGGCCAGCCCTCTGCGTTTGTCCTTTGACAGGGGCCAGTTGGACC[C>T]CAGCAGGATGGAGGGTGAGGCCTGGTGAGCTGGCACAGGGGCCACTGGCTCCAAGTGGGT-3'
Protein context (NP_001353314.1, residues 785-805): RLSFDRGQLD[Pro795Leu]SRMEGSSTCF